The following is an entry in ClinVar:

ClinVar aggregate classification (germline): Uncertain significance. Review status: criteria provided, multiple submitters, no conflicts (2 of 4 stars). 2 submissions from 2 submitters: Uncertain significance (2). Last evaluated 2025-02-24.

Conditions:
Inborn genetic diseases. Identifiers: MedGen C0950123, MeSH D030342.

Allele frequency attached by ClinVar (database versions not stated): gnomAD exomes below 0.00001 and 0.00001.
gnomAD v4.1: 10 of 1,614,210 alleles (0.00062%); highest among the groups gnomAD compares: East Asian, 0.0067%; no homozygotes.

Submissions (2):

Labcorp Genetics (formerly Invitae), Labcorp
Classification: Uncertain significance. Last evaluated: 2025-02-24. Review status: criteria provided, single submitter. Criteria: Invitae Variant Classification Sherloc (09022015). Collection method: clinical testing. Allele origin: germline.
Comment: This sequence change replaces glutamic acid, which is acidic and polar, with lysine, which is basic and polar, at codon 146 of the CANT1 protein (p.Glu146Lys). This variant is present in population databases (no rsID available, gnomAD 0.006%). This variant has not been reported in the literature in individuals affected with CANT1-related conditions. ClinVar contains an entry for this variant (Variation ID: 1346932). Invitae Evidence Modeling of protein sequence and biophysical properties (such as structural, functional, and spatial information, amino acid conservation, physicochemical variation, residue mobility, and thermodynamic stability) indicates that this missense variant is not expected to disrupt CANT1 protein function with a negative predictive value of 95%. In summary, the available evidence is currently insufficient to determine the role of this variant in disease. Therefore, it has been classified as a Variant of Uncertain Significance.

Ambry Genetics
Classification: Uncertain significance for Inborn genetic diseases. Last evaluated: 2025-01-27. Review status: criteria provided, single submitter. Criteria: Ambry Variant Classification Scheme 2023. Collection method: clinical testing. Allele origin: germline.

NM_001159773.2(CANT1):c.436G>A (p.Glu146Lys)

Gene: CANT1 (calcium activated nucleotidase 1; minus strand). Cytogenetic location: 17q25.3.
Variant type: single nucleotide variant.
Coding change: c.436G>A on transcript NM_001159773.2 (MANE Select); coding-DNA position 436, G replaced by A.
Protein change: p.Glu146Lys; replaces glutamic acid 146 with lysine.
Molecular consequence: missense variant.
Genome position (GRCh38, 1-based): chr17:78,997,187, C>T on the plus strand (G>A on the coding strand, the complement: CANT1 is on the minus strand). VCF-style: chr17-78997187-C-T. GRCh37 (hg19) VCF-style: chr17-76993269-C-T.
Other names: c.436G>A, p.Glu146Lys (NM_001159772.2, NM_138793.4); c.436G>A (NM_138793.3); short protein forms E146K.
Identifiers: ClinVar variation 1346932 (VCV001346932.6), dbSNP rs1443282700, ClinGen allele CA401308524.